The following is an entry in ClinVar:

NC_000009.11:g.(?_140695312)_(140729425_?)dup

Genes: EHMT1 (euchromatic histone lysine methyltransferase 1; plus strand), LOC130003149 (ATAC-STARR-seq lymphoblastoid active region 29370; plus strand), LOC130003150 (ATAC-STARR-seq lymphoblastoid active region 29371; plus strand). Cytogenetic location: 9q34.3.
Variant type: Duplication.
Identifiers: ClinVar variation 584119 (VCV000584119.8).

ClinVar aggregate classification (germline): Uncertain significance (1 of 4 stars; one submission).

Conditions:
Kleefstra syndrome 1 (KLEFS1). Identifiers: Orphanet 261494, MedGen C0795833, MONDO:0027407, OMIM 610253.

Submission:

Labcorp Genetics (formerly Invitae), Labcorp
Classification: Uncertain significance for Kleefstra syndrome 1. Last evaluated: 2022-09-19. Review status: criteria provided, single submitter. Criteria: Invitae Variant Classification Sherloc (09022015). Collection method: clinical testing. Allele origin: germline.
Comment: This variant has not been reported in the literature in individuals affected with EHMT1-related conditions. This variant results in a copy number gain of the genomic region encompassing exon(s) 18-27 of the EHMT1 gene. This region includes the termination codon of the gene. This copy number gain extends beyond the assayed region for this gene and therefore may encompass additional genes. As the precise location of this event is unknown, it may be in tandem or it may be located elsewhere in the genome. In summary, the available evidence is currently insufficient to determine the role of this variant in disease. Therefore, it has been classified as a Variant of Uncertain Significance.